The following is an entry in ClinVar:

NM_001371928.1(AHDC1):c.2171G>A (p.Arg724His)

Gene: AHDC1 (AT-hook DNA binding motif containing 1; minus strand). Cytogenetic location: 1p36.11.
Variant type: single nucleotide variant.
Coding change: c.2171G>A on transcript NM_001371928.1 (MANE Select); coding-DNA position 2171, G replaced by A.
Protein change: p.Arg724His; replaces arginine 724 with histidine.
Molecular consequence: missense variant.
Genome position (GRCh38, 1-based): chr1:27,549,945, C>T on the plus strand (G>A on the coding strand, the complement: AHDC1 is on the minus strand). VCF-style: chr1-27549945-C-T. GRCh37 (hg19) VCF-style: chr1-27876456-C-T.
Other names: c.2171G>A, p.Arg724His (NM_001029882.3); short protein forms R724H.
Identifiers: ClinVar variation 1486725 (VCV001486725.6), dbSNP rs2019436148, ClinGen allele CA339232546.

ClinVar aggregate classification (germline): Uncertain significance (1 of 4 stars; one submission).

Allele frequency attached by ClinVar (database versions not stated): gnomAD exomes below 0.00001.
gnomAD v4.1: 6 of 1,613,102 alleles (0.00037%); highest among the groups gnomAD compares: South Asian, 0.0011%; no homozygotes.

Submission:

Labcorp Genetics (formerly Invitae), Labcorp
Classification: Uncertain significance. Last evaluated: 2024-10-24. Review status: criteria provided, single submitter. Criteria: Invitae Variant Classification Sherloc (09022015). Collection method: clinical testing. Allele origin: germline.
Comment: This sequence change replaces arginine, which is basic and polar, with histidine, which is basic and polar, at codon 724 of the AHDC1 protein (p.Arg724His). This variant is not present in population databases (gnomAD no frequency). This variant has not been reported in the literature in individuals affected with AHDC1-related conditions. ClinVar contains an entry for this variant (Variation ID: 1486725). An algorithm developed to predict the effect of missense changes on protein structure and function (PolyPhen-2) suggests that this variant is likely to be disruptive. In summary, the available evidence is currently insufficient to determine the role of this variant in disease. Therefore, it has been classified as a Variant of Uncertain Significance.